The following is an entry in ClinVar:

ClinVar aggregate classification (germline): Benign (1 of 4 stars; one submission).

Allele frequency attached by ClinVar (database versions not stated): gnomAD 0.02670 and 0.02837; TOPMed 0.03074; 1000 Genomes Project 0.03135; 1000 Genomes Project 30x 0.03451.
gnomAD v4.1: 4,019 of 152,098 alleles (2.6%); highest among the groups gnomAD compares: African/African-American, 9%; 178 homozygotes.

Submission:

GeneDx
Classification: Benign. Last evaluated: 2018-06-16. Review status: criteria provided, single submitter. Criteria: GeneDx Variant Classification (06012015). Collection method: clinical testing. Allele origin: germline. Affected: yes.
Comment: This variant is considered likely benign or benign based on one or more of the following criteria: it is a conservative change, it occurs at a poorly conserved position in the protein, it is predicted to be benign by multiple in silico algorithms, and/or has population frequency not consistent with disease.

NM_020778.5(ALPK3):c.4130-230A>T

Gene: ALPK3 (alpha kinase 3; plus strand). Cytogenetic location: 15q25.3.
Variant type: single nucleotide variant.
Coding change: c.4130-230A>T on transcript NM_020778.5 (MANE Select); 230 bases into the intron before coding-DNA position 4130, A replaced by T.
Molecular consequence: intron variant.
Genome position (GRCh38, 1-based): chr15:84,862,405, A>T. VCF-style: chr15-84862405-A-T. GRCh37 (hg19) VCF-style: chr15-85405636-A-T.
Identifiers: ClinVar variation 679876 (VCV000679876.1), dbSNP rs16974575, ClinGen allele CA273631001.
Genomic context (GRCh38, chr15:84,862,405, plus strand): 5'-GAGCACTGTGTTTGGACAGTGCTTAGGACGCATTTGTGGAAGGCAGGGGTTATGTGATGG[A>T]TACCACATGGGTACCGCTAGATGGCAGGGGTTGAATCAAATAGAGTTTCTGCCCCAAGGA-3'